The following is an entry in ClinVar:

ClinVar aggregate classification (germline): Pathogenic. Review status: criteria provided, multiple submitters, no conflicts (2 of 4 stars). 4 submissions from 4 submitters: Pathogenic (3). 1 of the submissions does not count toward it. Last evaluated 2025-03-27.

Conditions:
Hereditary cancer-predisposing syndrome. Also called: Neoplastic Syndromes, Hereditary; Tumor predisposition; Hereditary neoplastic syndrome; Hereditary Cancer Syndrome. Identifiers: Orphanet 140162, MedGen C0027672, MeSH D009386, MONDO:0015356.
Cardiovascular phenotype. Identifiers: MedGen CN230736.
Neurofibromatosis, type 1 (NF1). Also called: VON RECKLINGHAUSEN DISEASE; Neurofibromatosis, type I; NEUROFIBROMATOSIS, TYPE I, SOMATIC; Peripheral type neurofibromatosis. Identifiers: Orphanet 636, MedGen C0027831, MONDO:0018975, OMIM 162200. Disease mechanism: loss of function.

Submissions (4):

Labcorp Genetics (formerly Invitae), Labcorp
Classification: Pathogenic for Neurofibromatosis, type 1. Last evaluated: 2025-03-27. Review status: criteria provided, single submitter. Criteria: Invitae Variant Classification Sherloc (09022015). Collection method: clinical testing. Allele origin: germline.
Comment: This sequence change creates a premature translational stop signal (p.Glu547*) in the NF1 gene. It is expected to result in an absent or disrupted protein product. Loss-of-function variants in NF1 are known to be pathogenic (PMID: 10712197, 23913538). This variant is not present in population databases (gnomAD no frequency). This premature translational stop signal has been observed in individual(s) with neurofibromatosis type 1 (PMID: 23913538). ClinVar contains an entry for this variant (Variation ID: 998043). Algorithms developed to predict the effect of sequence changes on RNA splicing suggest that this variant may create or strengthen a splice site. For these reasons, this variant has been classified as Pathogenic.

Ambry Genetics
Classification: Pathogenic for Cardiovascular phenotype; Hereditary cancer-predisposing syndrome. Last evaluated: 2022-07-27. Review status: criteria provided, single submitter. Criteria: Ambry Variant Classification Scheme 2023. Collection method: clinical testing. Allele origin: germline.
Comment: The p.E547* pathogenic mutation (also known as c.1639G>T), located in coding exon 14 of the NF1 gene, results from a G to T substitution at nucleotide position 1639. This changes the amino acid from a glutamic acid to a stop codon within coding exon 14. This variant was identified in 1 of 565 unrelated French probands with clinical diagnoses or suspicion of NF1 (Sabbagh A et al. Hum Mutat, 2013 Nov;34:1510-8). In addition to the clinical data presented in the literature, this alteration is expected to result in loss of function by premature protein truncation or nonsense-mediated mRNA decay. As such, this alteration is interpreted as a disease-causing mutation.

Juno Genomics, Hangzhou Juno Genomics, Inc
Classification: Pathogenic for Neurofibromatosis, type 1. Review status: criteria provided, single submitter. Criteria: ACMG Guidelines, 2015. Collection method: clinical testing. Allele origin: germline.
Comment: Absent from controls (or at extremely low frequency if recessive) in Genome Aggregation Database.;Null variant in a gene where loss of function (LOF) is a known mechanism of disease.;The prevalence of the variant in affected individuals is significantly increased compared to the prevalence in controls.;Patient's phenotype or family history is highly specific for a disease with a single genetic etiology.

Beijing Key Laboratory for Genetic Research of Skeletal Deformity, Peking Union Medical College Hospital
Classification: Pathogenic for Neurofibromatosis, type 1. Last evaluated: 2019-05-31. Review status: no assertion criteria provided. Collection method: research. Allele origin: de novo. Affected: yes. Not counted in ClinVar's aggregate classification.

Literature cited by the submitters: PubMed 10712197 (cited by Labcorp Genetics (formerly Invitae), Labcorp); PubMed 23913538 (cited by Labcorp Genetics (formerly Invitae), Labcorp).

NM_001042492.3(NF1):c.1639G>T (p.Glu547Ter)

Gene: NF1 (neurofibromin 1; plus strand). Cytogenetic location: 17q11.2.
Variant type: single nucleotide variant.
Coding change: c.1639G>T on transcript NM_001042492.3 (MANE Select); coding-DNA position 1639, G replaced by T.
Protein change: p.Glu547Ter; replaces glutamic acid 547 with a stop codon.
Molecular consequence: nonsense.
Genome position (GRCh38, 1-based): chr17:31,219,116, G>T. VCF-style: chr17-31219116-G-T. GRCh37 (hg19) VCF-style: chr17-29546134-G-T.
Other names: c.1639G>T, p.Glu547Ter (NM_000267.4, NM_001128147.3); short protein forms E547*.
Identifiers: ClinVar variation 998043 (VCV000998043.6), dbSNP rs2066877587, ClinGen allele CA399002179.